The following is an entry in ClinVar:

ClinVar aggregate classification (germline): Pathogenic (1 of 4 stars; one submission).

Conditions:
Rubinstein-Taybi syndrome (RSTS). Identifiers: Orphanet 783, MedGen C0035934, MONDO:0019188.

Submission:

Labcorp Genetics (formerly Invitae), Labcorp
Classification: Pathogenic for Rubinstein-Taybi syndrome. Last evaluated: 2019-12-13. Review status: criteria provided, single submitter. Criteria: Invitae Variant Classification Sherloc (09022015). Collection method: clinical testing. Allele origin: germline.
Comment: Loss-of-function variants in CREBBP are known to be pathogenic (PMID: 17052327, 18792986). This variant has not been reported in the literature in individuals with CREBBP-related conditions. This variant is not present in population databases (ExAC no frequency). This sequence change creates a premature translational stop signal (p.Asn190Ilefs*8) in the CREBBP gene. It is expected to result in an absent or disrupted protein product. For these reasons, this variant has been classified as Pathogenic.

Literature cited by the submitters: PubMed 17052327; PubMed 18792986.

NM_004380.3(CREBBP):c.567del (p.Asn190fs)

Gene: CREBBP (CREB binding lysine acetyltransferase; minus strand). Cytogenetic location: 16p13.3.
Variant type: Deletion.
Coding change: c.567del on transcript NM_004380.3 (MANE Select); coding-DNA position 567, one base deleted (C; older notation c.567delC).
Protein change: p.Asn190fs; shifts the reading frame from asparagine 190.
Molecular consequence: frameshift variant.
Genome position (GRCh38, 1-based): chr16:3,850,528, G deleted on the plus strand (C on the coding strand, the reverse complement: CREBBP is on the minus strand). VCF-style (leftmost placement, unchanged base first): chr16-3850527-TG-T. GRCh37 (hg19) VCF-style: chr16-3900528-TG-T.
Other names: c.567del, p.Asn190fs (NM_001079846.1); short protein forms N190fs.
Identifiers: ClinVar variation 842619 (VCV000842619.8), dbSNP rs2054809165, ClinGen allele CA493395063.